The following is an entry in ClinVar:

NM_001134831.2(AHI1):c.3002T>G (p.Leu1001Arg)

Gene: AHI1 (Abelson helper integration site 1; minus strand). Cytogenetic location: 6q23.3.
Variant type: single nucleotide variant.
Coding change: c.3002T>G on transcript NM_001134831.2 (MANE Select); coding-DNA position 3002, T replaced by G.
Protein change: p.Leu1001Arg; replaces leucine 1001 with arginine.
Molecular consequence: missense variant.
Genome position (GRCh38, 1-based): chr6:135,394,883, A>C on the plus strand (T>G on the coding strand, the complement: AHI1 is on the minus strand). VCF-style: chr6-135394883-A-C. GRCh37 (hg19) VCF-style: chr6-135716021-A-C.
Other names: c.3002T>G, p.Leu1001Arg (NM_001134830.2, NM_001134832.2, NM_001350503.2 and 2 more transcripts); short protein forms L1001R.
Identifiers: ClinVar variation 1464667 (VCV001464667.8), dbSNP rs1347960440, ClinGen allele CA365843866.

ClinVar aggregate classification (germline): Uncertain significance (1 of 4 stars; one submission).

Conditions:
Joubert syndrome. Also called: CEREBELLOPARENCHYMAL DISORDER IV; JOUBERT-BOLTSHAUSER SYNDROME; Familial aplasia of the vermis. Identifiers: Orphanet 475, MedGen C5979921, MONDO:0018772.

Submission:

Labcorp Genetics (formerly Invitae), Labcorp
Classification: Uncertain significance for Joubert syndrome. Last evaluated: 2021-02-24. Review status: criteria provided, single submitter. Criteria: Invitae Variant Classification Sherloc (09022015). Collection method: clinical testing. Allele origin: germline.
Comment: Advanced modeling of protein sequence and biophysical properties (such as structural, functional, and spatial information, amino acid conservation, physicochemical variation, residue mobility, and thermodynamic stability) performed at Invitae indicates that this missense variant is not expected to disrupt AHI1 protein function. This sequence change replaces leucine with arginine at codon 1001 of the AHI1 protein (p.Leu1001Arg). The leucine residue is moderately conserved and there is a moderate physicochemical difference between leucine and arginine. This variant is not present in population databases (ExAC no frequency). This variant has not been reported in the literature in individuals with AHI1-related conditions. In summary, the available evidence is currently insufficient to determine the role of this variant in disease. Therefore, it has been classified as a Variant of Uncertain Significance.